The following is an entry in ClinVar:

ClinVar aggregate classification (germline): Uncertain significance (1 of 4 stars; one submission).

gnomAD v4.1: 2 of 1,613,850 alleles (0.00012%); highest among the groups gnomAD compares: East Asian, 0.0045%; no homozygotes.

Submission:

CeGaT Center for Human Genetics Tuebingen
Classification: Uncertain significance. Last evaluated: 2024-11-01. Review status: criteria provided, single submitter. Criteria: CeGaT Center For Human Genetics Tuebingen Variant Classification Criteria Version 2. Collection method: clinical testing. Allele origin: germline. Affected: yes. Observed: 1 variant allele.
Comment: ZMYND15: PM2

NM_001136046.3(ZMYND15):c.1627T>C (p.Phe543Leu)

Gene: ZMYND15 (zinc finger MYND-type containing 15; plus strand). Cytogenetic location: 17p13.2.
Variant type: single nucleotide variant.
Coding change: c.1627T>C on transcript NM_001136046.3 (MANE Select); coding-DNA position 1627, T replaced by C.
Protein change: p.Phe543Leu; replaces phenylalanine 543 with leucine.
Molecular consequence: missense variant.
Genome position (GRCh38, 1-based): chr17:4,744,411, T>C. VCF-style: chr17-4744411-T-C. GRCh37 (hg19) VCF-style: chr17-4647706-T-C.
Other names: c.1627T>C, p.Phe543Leu (NM_001267822.1); c.1510T>C, p.Phe504Leu (NM_032265.2); short protein forms F504L, F543L.
Identifiers: ClinVar variation 3390243 (VCV003390243.14).
Genomic context (GRCh38, chr17:4,744,411, plus strand): 5'-TTTCTTTCTGTCCTTCAGGAGCTTTTGGTCCTGCTCCCCCATGTGGCCCTGGAGCTGCAG[T>C]TTGTAGGTGATGGCCTGCCCCCCGAAAGCGACGAGCAGCATTTTACCCTGCAGAGGGTGA-3'
Protein context (NP_001129518.1, residues 533-553): LLPHVALELQ[Phe543Leu]VGDGLPPESD